The following is an entry in ClinVar:

NM_001127222.2(CACNA1A):c.2311A>T (p.Lys771Ter)

Gene: CACNA1A (calcium voltage-gated channel subunit alpha1 A; minus strand). Cytogenetic location: 19p13.13.
Variant type: single nucleotide variant.
Coding change: c.2311A>T on transcript NM_001127222.2 (MANE Select); coding-DNA position 2311, A replaced by T.
Protein change: p.Lys771Ter; replaces lysine 771 with a stop codon.
Molecular consequence: nonsense.
Genome position (GRCh38, 1-based): chr19:13,299,322, T>A on the plus strand (A>T on the coding strand, the complement: CACNA1A is on the minus strand). VCF-style: chr19-13299322-T-A. GRCh37 (hg19) VCF-style: chr19-13410136-T-A.
Other names: c.2323A>T, p.Lys775Ter (NM_000068.4, NM_023035.3); c.2314A>T, p.Lys772Ter (NM_001127221.2, NM_001174080.2); short protein forms K771*, K772*, K775*.
Identifiers: ClinVar variation 1441063 (VCV001441063.7), dbSNP rs2144958410, ClinGen allele CA404343735.

ClinVar aggregate classification (germline): Pathogenic. Review status: criteria provided, multiple submitters, no conflicts (2 of 4 stars). 2 submissions from 2 submitters: Pathogenic (2). Last evaluated 2022-03-20.

Conditions:
Episodic ataxia type 2 (EA2). Also called: ACETAZOLAMIDE-RESPONSIVE HEREDITARY PAROXYSMAL CEREBELLAR ATAXIA; EPISODIC ATAXIA, NYSTAGMUS-ASSOCIATED; ATAXIA, EPISODIC, WITH NYSTAGMUS; ATAXIA, FAMILIAL PAROXYSMAL; CEREBELLAR ATAXIA, PAROXYSMAL, ACETAZOLAMIDE-RESPONSIVE; CEREBELLOPATHY, HEREDITARY PAROXYSMAL. Identifiers: Orphanet 97, MedGen C1720416, MONDO:0007163, OMIM 108500.
Developmental and epileptic encephalopathy, 42 (DEE42A). Also called: DEVELOPMENTAL AND EPILEPTIC ENCEPHALOPATHY 42A; EPILEPTIC ENCEPHALOPATHY, EARLY INFANTILE, 42A; Epileptic encephalopathy, early infantile, 42. Identifiers: MedGen C4310716, MONDO:0014917, OMIM 617106.
Spinocerebellar ataxia type 6 (SCA6). Identifiers: Orphanet 98758, MedGen C0752124, MONDO:0008457, OMIM 183086.
Migraine, familial hemiplegic, 1. Also called: MIGRAINE, FAMILIAL HEMIPLEGIC 1, WITH PROGRESSIVE CEREBELLAR ATAXIA. Identifiers: Orphanet 569, MedGen C1832884, MONDO:0020756, OMIM 141500, MONDO:0007714.
Developmental and epileptic encephalopathy, 52 (DEE52). Also called: Epileptic encephalopathy, early infantile, 52. Identifiers: MedGen C4479236, MONDO:0033361, OMIM 617350.

Submissions (2):

Wendy Chung Laboratory, Boston Children's Hospital
Classification: Pathogenic for Developmental and epileptic encephalopathy, 52; Episodic ataxia type 2; Migraine, familial hemiplegic, 1; Spinocerebellar ataxia type 6. Last evaluated: 2022-03-20. Review status: criteria provided, single submitter. Criteria: ACMG Guidelines, 2015. Collection method: clinical testing. Allele origin: unknown. Affected: yes.

Labcorp Genetics (formerly Invitae), Labcorp
Classification: Pathogenic for Developmental and epileptic encephalopathy, 42; Episodic ataxia type 2. Last evaluated: 2021-08-09. Review status: criteria provided, single submitter. Criteria: Invitae Variant Classification Sherloc (09022015). Collection method: clinical testing. Allele origin: germline.
Comment: For these reasons, this variant has been classified as Pathogenic. This variant has not been reported in the literature in individuals affected with CACNA1A-related conditions. This sequence change creates a premature translational stop signal (p.Lys772*) in the CACNA1A gene. It is expected to result in an absent or disrupted protein product. Loss-of-function variants in CACNA1A are known to be pathogenic (PMID: 10371528, 19486177, 25735478, 27250579). This variant is not present in population databases (ExAC no frequency).

Literature cited by the submitters: PubMed 10371528 (cited by Labcorp Genetics (formerly Invitae), Labcorp); PubMed 19486177 (cited by Labcorp Genetics (formerly Invitae), Labcorp); PubMed 25735478 (cited by Labcorp Genetics (formerly Invitae), Labcorp); PubMed 27250579 (cited by Labcorp Genetics (formerly Invitae), Labcorp).